The following is an entry in ClinVar:

NM_001267727.2(ARSG):c.1060C>A (p.Pro354Thr)

Gene: ARSG (arylsulfatase G; plus strand). Cytogenetic location: 17q24.2.
Variant type: single nucleotide variant.
Coding change: c.1060C>A on transcript NM_001267727.2 (MANE Select); coding-DNA position 1060, C replaced by A.
Protein change: p.Pro354Thr; replaces proline 354 with threonine.
Molecular consequence: missense variant.
Genome position (GRCh38, 1-based): chr17:68,385,141, C>A. VCF-style: chr17-68385141-C-A. GRCh37 (hg19) VCF-style: chr17-66381282-C-A.
Other names: c.1060C>A, p.Pro354Thr (NM_001352899.2, NM_001352900.2, NM_001352901.2 and 3 more transcripts); c.1057C>A, p.Pro353Thr (NM_001352903.2, NM_001352904.2, NM_001352905.2 and 2 more transcripts); c.1012C>A, p.Pro338Thr (NM_001352909.2); short protein forms P338T, P353T, P354T.
Identifiers: ClinVar variation 855125 (VCV000855125.9), dbSNP rs2080644281, ClinGen allele CA400744388.

ClinVar aggregate classification (germline): Uncertain significance (1 of 4 stars; one submission).

Allele frequency attached by ClinVar (database versions not stated): gnomAD exomes below 0.00001.
gnomAD v4.1: 1 of 1,613,970 alleles (0.000062%); highest among the groups gnomAD compares: Non-Finnish European, 0.000085%; no homozygotes.

Submission:

Labcorp Genetics (formerly Invitae), Labcorp
Classification: Uncertain significance. Last evaluated: 2019-12-13. Review status: criteria provided, single submitter. Criteria: Invitae Variant Classification Sherloc (09022015). Collection method: clinical testing. Allele origin: germline.
Comment: Algorithms developed to predict the effect of missense changes on protein structure and function are either unavailable or do not agree on the potential impact of this missense change (SIFT: "Tolerated"; PolyPhen-2: "Probably Damaging"; Align-GVGD: "Class C0"). This variant has not been reported in the literature in individuals with ARSG-related conditions. This variant is not present in population databases (ExAC no frequency). This sequence change replaces proline with threonine at codon 354 of the ARSG protein (p.Pro354Thr). The proline residue is highly conserved and there is a small physicochemical difference between proline and threonine. In summary, the available evidence is currently insufficient to determine the role of this variant in disease. Therefore, it has been classified as a Variant of Uncertain Significance.